The following is an entry in ClinVar:

ClinVar aggregate classification (germline): Pathogenic (1 of 4 stars; one submission).

Conditions:
Sulfite oxidase deficiency due to molybdenum cofactor deficiency type C. Also called: Molybdenum cofactor deficiency, complementation group C; Molybdenum cofactor deficiency C. Identifiers: Orphanet 308400, Orphanet 833, MedGen C1854990, MONDO:0014212, OMIM 615501.

Submission:

Labcorp Genetics (formerly Invitae), Labcorp
Classification: Pathogenic for Sulfite oxidase deficiency due to molybdenum cofactor deficiency type C. Last evaluated: 2022-02-11. Review status: criteria provided, single submitter. Criteria: Invitae Variant Classification Sherloc (09022015). Collection method: clinical testing. Allele origin: unknown.
Comment: For these reasons, this variant has been classified as Pathogenic. This variant has not been reported in the literature in individuals affected with GPHN-related conditions. This variant is a gross deletion of the genomic region encompassing exon(s) 3-11 of the GPHN gene. This deletion is out-of-frame, and is expected to create a premature termination codon and result in an absent or disrupted protein product. Loss-of-function variants in GPHN are known to be pathogenic (PMID: 11095995, 23184456, 23393157).

Literature cited by the submitters: PubMed 11095995; PubMed 23184456; PubMed 23393157.

NC_000014.8:g.(?_67243182)_(67525503_?)del

Gene: GPHN (gephyrin; plus strand). Cytogenetic location: 14q23.3.
Variant type: Deletion.
Identifiers: ClinVar variation 3243991 (VCV003243991.1).